The following is an entry in ClinVar:

NM_130466.4(UBE3B):c.2057G>A (p.Arg686His)

Gene: UBE3B (ubiquitin protein ligase E3B; plus strand). Cytogenetic location: 12q24.11.
Variant type: single nucleotide variant.
Coding change: c.2057G>A on transcript NM_130466.4 (MANE Select); coding-DNA position 2057, G replaced by A.
Protein change: p.Arg686His; replaces arginine 686 with histidine.
Molecular consequence: missense variant.
Genome position (GRCh38, 1-based): chr12:109,516,865, G>A. VCF-style: chr12-109516865-G-A. GRCh37 (hg19) VCF-style: chr12-109954670-G-A.
Other names: c.2057G>A, p.Arg686His (NM_183415.3); short protein forms R686H.
Identifiers: ClinVar variation 2066054 (VCV002066054.1), dbSNP rs371575065, ClinGen allele CA6778095.

ClinVar aggregate classification (germline): Uncertain significance (1 of 4 stars; one submission).

Allele frequency attached by ClinVar (database versions not stated): ExAC 0.00002; gnomAD exomes 0.00007; ESP Exome Variant Server 0.00015; TOPMed 0.00031; gnomAD 0.00037.
gnomAD v4.1: 168 of 1,613,800 alleles (0.01%); highest among the groups gnomAD compares: Admixed American, 0.17%; no homozygotes.

Submission:

Labcorp Genetics (formerly Invitae), Labcorp
Classification: Uncertain significance. Last evaluated: 2022-08-17. Review status: criteria provided, single submitter. Criteria: Invitae Variant Classification Sherloc (09022015). Collection method: clinical testing. Allele origin: germline.
Comment: This sequence change replaces arginine, which is basic and polar, with histidine, which is basic and polar, at codon 686 of the UBE3B protein (p.Arg686His). This variant is present in population databases (rs371575065, gnomAD 0.1%). This variant has not been reported in the literature in individuals affected with UBE3B-related conditions. Algorithms developed to predict the effect of missense changes on protein structure and function (SIFT, PolyPhen-2, Align-GVGD) all suggest that this variant is likely to be tolerated. In summary, the available evidence is currently insufficient to determine the role of this variant in disease. Therefore, it has been classified as a Variant of Uncertain Significance.